The following is an entry in ClinVar:

ClinVar aggregate classification (germline): Benign/Likely benign. Review status: criteria provided, multiple submitters, no conflicts (2 of 4 stars). 11 submissions from 11 submitters: Benign (6); Likely benign (2). 3 of the submissions do not count toward it. Last evaluated 2026-02-04.

Conditions:
Primary ciliary dyskinesia. Also called: Ciliary dyskinesia. Identifiers: Orphanet 244, MedGen C0008780, MONDO:0016575, HP:0012265.
Primary ciliary dyskinesia 3. Identifiers: Orphanet 244, MedGen C1837618, MONDO:0012085, OMIM 608644.

Submissions (11):

Labcorp Genetics (formerly Invitae), Labcorp
Classification: Benign for Primary ciliary dyskinesia. Last evaluated: 2026-02-04. Review status: criteria provided, single submitter. Criteria: Invitae Variant Classification Sherloc (09022015). Collection method: clinical testing. Allele origin: germline.

ARUP Laboratories, Molecular Genetics and Genomics, ARUP Laboratories
Classification: Benign for Primary ciliary dyskinesia 3. Last evaluated: 2025-07-29. Review status: criteria provided, single submitter. Criteria: ARUP Molecular Germline Variant Investigation Process 2024. Collection method: clinical testing. Allele origin: germline.

Blueprint Genetics
Classification: Likely benign. Last evaluated: 2024-11-26. Review status: criteria provided, single submitter. Criteria: ACMG Guidelines, 2015. Collection method: clinical testing. Allele origin: germline.

Mayo Clinic Laboratories, Mayo Clinic
Classification: Benign. Last evaluated: 2023-01-05. Review status: criteria provided, single submitter. Criteria: ACMG Guidelines, 2015. Collection method: clinical testing. Allele origin: germline. Observed: 138 variant alleles.
Comment: BA1, BP7

Genome-Nilou Lab
Classification: Benign for Primary ciliary dyskinesia 3. Last evaluated: 2021-07-30. Review status: criteria provided, single submitter. Criteria: ACMG Guidelines, 2015. Collection method: clinical testing. Allele origin: germline. Affected: no.

GeneDx
Classification: Benign. Last evaluated: 2018-11-10. Review status: criteria provided, single submitter. Criteria: GeneDx Variant Classification Process June 2021. Collection method: clinical testing. Allele origin: germline. Affected: yes.
Comment: This variant is associated with the following publications: (PMID: 29089047, 25877373)

Ambry Genetics
Classification: Likely benign for Primary ciliary dyskinesia. Last evaluated: 2016-06-02. Review status: criteria provided, single submitter. Criteria: Ambry Variant Classification Scheme 2023. Collection method: clinical testing. Allele origin: germline.

Laboratory for Molecular Medicine, Mass General Brigham Personalized Medicine
Classification: Benign. Last evaluated: 2016-03-28. Review status: criteria provided, single submitter. Criteria: LMM Criteria. Collection method: clinical testing. Allele origin: germline.
Comment: Variant identified in a genome or exome case(s) and assessed due to predicted null impact of the variant or pathogenic assertions in the literature or databases. Disclaimer: This variant has not undergone full assessment. The following are preliminary notes: Frequency

Natera, Inc.
Classification: Benign for Primary ciliary dyskinesia. Last evaluated: 2019-08-23. Review status: no assertion criteria provided. Collection method: clinical testing. Allele origin: germline. Not counted in ClinVar's aggregate classification.

Clinical Genetics DNA and cytogenetics Diagnostics Lab, Erasmus MC, Erasmus Medical Center
Classification: Benign. Review status: no assertion criteria provided. Collection method: clinical testing. Allele origin: germline. Affected: yes. Study: VKGL Data-share Consensus. Not counted in ClinVar's aggregate classification.

Diagnostic Laboratory, Department of Genetics, University Medical Center Groningen
Classification: Benign. Review status: no assertion criteria provided. Collection method: clinical testing. Allele origin: germline. Affected: yes. Study: VKGL Data-share Consensus. Not counted in ClinVar's aggregate classification.

NM_001369.3(DNAH5):c.3835-3del

Genes: DNAH5 (dynein axonemal heavy chain 5; minus strand), DNAH5-AS1 (DNAH5 antisense RNA 1; plus strand). Cytogenetic location: 5p15.2.
Variant type: Deletion.
Coding change: c.3835-3del on transcript NM_001369.3 (MANE Select); 3 bases into the intron before coding-DNA position 3835, one base deleted (T; older notation c.3835-3delT).
Molecular consequence: intron variant.
Genome position (GRCh38, 1-based): chr5:13,867,995, A deleted on the plus strand (T on the coding strand, the reverse complement: DNAH5 is on the minus strand); the first of 9 consecutive A bases (chr5:13,867,995-13,868,003); deleting any one gives the same sequence. VCF-style (leftmost placement, unchanged base first): chr5-13867994-TA-T. GRCh37 (hg19) VCF-style: chr5-13868103-TA-T.
Other names: p.?; c.3835-3delT (NM_001369.2).
Identifiers: ClinVar variation 215494 (VCV000215494.41), dbSNP rs35398031, ClinGen allele CA336571.